The following is an entry in ClinVar:

ClinVar aggregate classification (germline): Uncertain significance (1 of 4 stars; one submission).

Conditions:
Primary ciliary dyskinesia. Also called: Ciliary dyskinesia. Identifiers: Orphanet 244, MedGen C0008780, MONDO:0016575, HP:0012265.

Submission:

Labcorp Genetics (formerly Invitae), Labcorp
Classification: Uncertain significance for Primary ciliary dyskinesia. Last evaluated: 2019-04-03. Review status: criteria provided, single submitter. Criteria: Invitae Variant Classification Sherloc (09022015). Collection method: clinical testing. Allele origin: germline.
Comment: Experimental studies are not available for this variant, and the functional significance of a copy number gain of these exons is currently unknown. In summary, the available evidence is currently insufficient to determine the role of this variant in disease. Therefore, it has been classified as a Variant of Uncertain Significance. This variant has not been reported in the literature in individuals with CCDC114-related conditions. This variant results in a copy number gain of the genomic region encompassing exons 4-14 of the CCDC114 gene. The 5' boundary is likely confined to intron 3. The 3' end of this event is unknown as it extends beyond the assayed region for this gene and therefore may encompass additional genes. As the precise location of this event is unknown, it may be in tandem or it may be located elsewhere in the genome.

NC_000019.10:g.(?_48296956)_(48312136_?)dup

Gene: ODAD1 (outer dynein arm docking complex subunit 1; minus strand). Cytogenetic location: 19q13.33.
Variant type: Duplication.
Identifiers: ClinVar variation 831078 (VCV000831078.15).